The following is an entry in ClinVar:

NM_000180.4(GUCY2D):c.3G>C (p.Met1Ile)

Gene: GUCY2D (guanylate cyclase 2D, retinal; plus strand). Cytogenetic location: 17p13.1.
Variant type: single nucleotide variant.
Coding change: c.3G>C on transcript NM_000180.4 (MANE Select); coding-DNA position 3, G replaced by C.
Protein change: p.Met1Ile; changes the start codon (methionine 1).
Molecular consequence: missense variant, initiator codon variant.
Genome position (GRCh38, 1-based): chr17:8,003,050, G>C. VCF-style: chr17-8003050-G-C. GRCh37 (hg19) VCF-style: chr17-7906368-G-C.
Other names: short protein forms M1I.
Identifiers: ClinVar variation 98604 (VCV000098604.11), dbSNP rs281865409, ClinGen allele CA226146.

ClinVar aggregate classification (germline): Pathogenic. Review status: criteria provided, single submitter (1 of 4 stars). 3 submissions from 3 submitters: Pathogenic (1). 2 of the submissions do not count toward it. Last evaluated 2024-03-02.

Conditions:
Cone-rod dystrophy 6 (CORD6). Also called: RETINAL CONE DYSTROPHY 2; Cone dystrophy progressive. Identifiers: Orphanet 1872, MedGen C1866293, MONDO:0011143, OMIM 601777.
Leber congenital amaurosis 1 (LCA1). Also called: AMAUROSIS CONGENITA OF LEBER I; RETINAL BLINDNESS, CONGENITAL; Congenital absence of the rods and cones; Leber's congenital tapetoretinal degeneration; Leber's congenital tapetoretinal dysplasia. Identifiers: Orphanet 65, MedGen C2931258, MONDO:0008764, OMIM 204000.

Allele frequency attached by ClinVar (database versions not stated): gnomAD exomes below 0.00001; gnomAD 0.00001; TOPMed 0.00002.

Submissions (3):

Labcorp Genetics (formerly Invitae), Labcorp
Classification: Pathogenic for Leber congenital amaurosis 1; Cone-rod dystrophy 6. Last evaluated: 2024-03-02. Review status: criteria provided, single submitter. Criteria: Invitae Variant Classification Sherloc (09022015). Collection method: clinical testing. Allele origin: germline.
Comment: This sequence change affects the initiator methionine of the GUCY2D mRNA. The next in-frame methionine is located at codon 218. This variant is not present in population databases (gnomAD no frequency). Disruption of the initiator codon has been observed in individuals with autosomal recessive Leber congenital amaurosis (PMID: 10951519, 15024725). ClinVar contains an entry for this variant (Variation ID: 98604). This variant disrupts the p.Glu103 amino acid residue in GUCY2D. Other variant(s) that disrupt this residue have been determined to be pathogenic (PMID: 28041643, 29178642; Invitae). This suggests that this residue is clinically significant, and that variants that disrupt this residue are likely to be disease-causing. For these reasons, this variant has been classified as Pathogenic.

Laboratory of Genetics in Ophthalmology, Institut Imagine
Classification: Pathogenic for Leber congenital amaurosis 1. Review status: no assertion criteria provided. Collection method: research. Allele origin: inherited. Affected: yes. Observed: 1 variant allele. Not counted in ClinVar's aggregate classification.

Retina International
No classification provided. Review status: no classification provided. Collection method: not provided. Allele origin: unknown. Not counted in ClinVar's aggregate classification.

Literature cited by the submitters: PubMed 10951519 (cited by Labcorp Genetics (formerly Invitae), Labcorp and Laboratory of Genetics in Ophthalmology, Institut Imagine); PubMed 15024725 (cited by Labcorp Genetics (formerly Invitae), Labcorp); PubMed 28041643 (cited by Labcorp Genetics (formerly Invitae), Labcorp); PubMed 29178642 (cited by Labcorp Genetics (formerly Invitae), Labcorp).